The following is an entry in ClinVar:

ClinVar aggregate classification (germline): Uncertain significance. Review status: criteria provided, multiple submitters, no conflicts (2 of 4 stars). 2 submissions from 2 submitters: Uncertain significance (2). Last evaluated 2024-02-27.

Conditions:
Cardiofaciocutaneous syndrome 3 (CFC3). Also called: MAP2K1-Related Cardiofaciocutaneous Syndrome. Identifiers: Orphanet 1340, MedGen C3809006, MONDO:0014113, OMIM 615279.
RASopathy. Also called: rasopathies; Noonan spectrum disorder. Identifiers: Orphanet 536391, MedGen C5555857, MONDO:0021060.

Submissions (2):

Labcorp Genetics (formerly Invitae), Labcorp
Classification: Uncertain significance for RASopathy. Last evaluated: 2024-02-27. Review status: criteria provided, single submitter. Criteria: Invitae Variant Classification Sherloc (09022015). Collection method: clinical testing. Allele origin: germline.
Comment: This sequence change replaces proline, which is neutral and non-polar, with arginine, which is basic and polar, at codon 15 of the MAP2K1 protein (p.Pro15Arg). This variant is not present in population databases (gnomAD no frequency). This variant has not been reported in the literature in individuals affected with MAP2K1-related conditions. Advanced modeling of protein sequence and biophysical properties (such as structural, functional, and spatial information, amino acid conservation, physicochemical variation, residue mobility, and thermodynamic stability) performed at Invitae indicates that this missense variant is not expected to disrupt MAP2K1 protein function with a negative predictive value of 95%. In summary, the available evidence is currently insufficient to determine the role of this variant in disease. Therefore, it has been classified as a Variant of Uncertain Significance.

3billion
Classification: Uncertain significance for Cardiofaciocutaneous syndrome 3. Last evaluated: 2023-06-22. Review status: criteria provided, single submitter. Criteria: ACMG Guidelines, 2015. Collection method: clinical testing. Allele origin: germline. Affected: yes.
Comment: The variant is not observed in the gnomAD v2.1.1 dataset. Predicted Consequence/Location: Missense changes are a common disease-causing mechanism. Therefore, this variant is classified as VUS according to the recommendation of ACMG/AMP guideline.

NM_002755.4(MAP2K1):c.44C>G (p.Pro15Arg)

Gene: MAP2K1 (mitogen-activated protein kinase kinase 1; plus strand). Cytogenetic location: 15q22.31.
Variant type: single nucleotide variant.
Coding change: c.44C>G on transcript NM_002755.4 (MANE Select); coding-DNA position 44, C replaced by G.
Protein change: p.Pro15Arg; replaces proline 15 with arginine.
Molecular consequence: missense variant.
Genome position (GRCh38, 1-based): chr15:66,387,391, C>G. VCF-style: chr15-66387391-C-G. GRCh37 (hg19) VCF-style: chr15-66679729-C-G.
Other names: short protein forms P15R.
Identifiers: ClinVar variation 3699787 (VCV003699787.3).
Genomic context (GRCh38, chr15:66,387,391, plus strand): 5'-CGTTACCCGGGTCCAAAATGCCCAAGAAGAAGCCGACGCCCATCCAGCTGAACCCGGCCC[C>G]CGACGGCTCTGCAGTTAACGGGACCAGCTCTGCGGAGTAAGTATGGGGCGGGCGGTGAAC-3'
Protein context (NP_002746.1, residues 5-25): KPTPIQLNPA[Pro15Arg]DGSAVNGTSS